The following is an entry in ClinVar:

NM_139343.3(BIN1):c.316-8T>A

Gene: BIN1 (bridging integrator 1; minus strand). Cytogenetic location: 2q14.3.
Variant type: single nucleotide variant.
Coding change: c.316-8T>A on transcript NM_139343.3 (MANE Select); 8 bases into the intron before coding-DNA position 316, T replaced by A.
Molecular consequence: intron variant.
Genome position (GRCh38, 1-based): chr2:127,070,098, A>T on the plus strand (T>A on the coding strand, the complement: BIN1 is on the minus strand). VCF-style: chr2-127070098-A-T. GRCh37 (hg19) VCF-style: chr2-127827674-A-T.
Other names: c.235-8T>A (NM_001320642.1); c.244-8T>A (NM_001320634.1); c.316-8T>A (NM_139351.3, NM_139350.3, NM_139349.3 and 10 more transcripts).
Identifiers: ClinVar variation 3657197 (VCV003657197.2).

ClinVar aggregate classification (germline): Uncertain significance (1 of 4 stars; one submission).

Conditions:
Myopathy, centronuclear, 2 (CNM2). Also called: MYOTUBULAR MYOPATHY, AUTOSOMAL RECESSIVE. Identifiers: Orphanet 169186, MedGen CN031787, MONDO:0009709, OMIM 255200.

gnomAD v4.1: 1 of 1,613,388 alleles (0.000062%); highest among the groups gnomAD compares: Non-Finnish European, 0.000085%; no homozygotes.

Submission:

Labcorp Genetics (formerly Invitae), Labcorp
Classification: Uncertain significance for Myopathy, centronuclear, 2. Last evaluated: 2024-06-26. Review status: criteria provided, single submitter. Criteria: Invitae Variant Classification Sherloc (09022015). Collection method: clinical testing. Allele origin: germline.
Comment: This sequence change falls in intron 4 of the BIN1 gene. It does not directly change the encoded amino acid sequence of the BIN1 protein. This variant is present in population databases (rs776541797, gnomAD 0.0009%). This variant has not been reported in the literature in individuals affected with BIN1-related conditions. Algorithms developed to predict the effect of sequence changes on RNA splicing suggest that this variant may disrupt the consensus splice site. In summary, the available evidence is currently insufficient to determine the role of this variant in disease. Therefore, it has been classified as a Variant of Uncertain Significance.